The following is an entry in ClinVar:

NM_004958.4(MTOR):c.1786+3A>G

Gene: MTOR (mechanistic target of rapamycin kinase; minus strand). Cytogenetic location: 1p36.22.
Variant type: single nucleotide variant.
Coding change: c.1786+3A>G on transcript NM_004958.4 (MANE Select); 3 bases into the intron after coding-DNA position 1786, A replaced by G.
Molecular consequence: intron variant.
Genome position (GRCh38, 1-based): chr1:11,240,300, T>C on the plus strand (A>G on the coding strand, the complement: MTOR is on the minus strand). VCF-style: chr1-11240300-T-C. GRCh37 (hg19) VCF-style: chr1-11300357-T-C.
Other names: c.538+3A>G (NM_001386501.1); c.1786+3A>G (NM_001386500.1).
Identifiers: ClinVar variation 1918419 (VCV001918419.5), dbSNP rs768727472, ClinGen allele CA590651.

ClinVar aggregate classification (germline): Uncertain significance (1 of 4 stars; one submission).

Allele frequency attached by ClinVar (database versions not stated): gnomAD exomes 0.00001; TOPMed 0.00003; ExAC 0.00004.
gnomAD v4.1: 9 of 1,550,312 alleles (0.00058%); highest among the groups gnomAD compares: East Asian, 0.016%; no homozygotes.

Submission:

Labcorp Genetics (formerly Invitae), Labcorp
Classification: Uncertain significance. Last evaluated: 2024-01-26. Review status: criteria provided, single submitter. Criteria: Invitae Variant Classification Sherloc (09022015). Collection method: clinical testing. Allele origin: germline.
Comment: This sequence change falls in intron 11 of the MTOR gene. It does not directly change the encoded amino acid sequence of the MTOR protein. It affects a nucleotide within the consensus splice site. This variant is present in population databases (rs768727472, gnomAD 0.03%). This variant has not been reported in the literature in individuals affected with MTOR-related conditions. ClinVar contains an entry for this variant (Variation ID: 1918419). Variants that disrupt the consensus splice site are a relatively common cause of aberrant splicing (PMID: 17576681, 9536098). Algorithms developed to predict the effect of sequence changes on RNA splicing suggest that this variant is not likely to affect RNA splicing. In summary, the available evidence is currently insufficient to determine the role of this variant in disease. Therefore, it has been classified as a Variant of Uncertain Significance.

Literature cited by the submitters: PubMed 17576681; PubMed 9536098.